The following is an entry in ClinVar:

NM_025243.4(SLC19A3):c.1441G>A (p.Val481Met)

Gene: SLC19A3 (solute carrier family 19 member 3; minus strand). Cytogenetic location: 2q36.3.
Variant type: single nucleotide variant.
Coding change: c.1441G>A on transcript NM_025243.4 (MANE Select); coding-DNA position 1441, G replaced by A.
Protein change: p.Val481Met; replaces valine 481 with methionine.
Molecular consequence: missense variant.
Genome position (GRCh38, 1-based): chr2:227,687,447, C>T on the plus strand (G>A on the coding strand, the complement: SLC19A3 is on the minus strand). VCF-style: chr2-227687447-C-T. GRCh37 (hg19) VCF-style: chr2-228552163-C-T.
Other names: c.1441G>A, p.Val481Met (NM_001371411.1, NM_001371412.1); c.1429G>A, p.Val477Met (NM_001371413.1, NM_001371414.1); short protein forms V477M, V481M.
Identifiers: ClinVar variation 856582 (VCV000856582.8), dbSNP rs368717276, ClinGen allele CA2149076.

ClinVar aggregate classification (germline): Conflicting classifications of pathogenicity. Review status: criteria provided, conflicting classifications (1 of 4 stars). 4 submissions from 4 submitters: Uncertain significance (3); Likely benign (1). Last evaluated 2025-07-22.

Conditions:
Biotin-responsive basal ganglia disease (BTBGD). Also called: Thiamine metabolism dysfunction syndrome type 2; Thiamine metabolism dysfunction syndrome 2 (biotin- or thiamine-responsive encephalopathy type 2); thiamine-responsive encephalopathy; THIAMINE METABOLISM DYSFUNCTION SYNDROME 2 (BIOTIN- AND THIAMINE-RESPONSIVE TYPE); Thiamine Transporter-2 Deficiency. Identifiers: Orphanet 199348, Orphanet 65284, MedGen C1843807, MONDO:0011841, OMIM 607483.
Inborn genetic diseases. Identifiers: MedGen C0950123, MeSH D030342.

Allele frequency attached by ClinVar (database versions not stated): gnomAD exomes 0.00003; ExAC 0.00005; gnomAD 0.00008; TOPMed 0.00009; ESP Exome Variant Server 0.00015.

Submissions (4):

Ambry Genetics
Classification: Likely benign for Inborn genetic diseases. Last evaluated: 2025-07-22. Review status: criteria provided, single submitter. Criteria: Ambry Variant Classification Scheme 2023. Collection method: clinical testing. Allele origin: germline.

Blueprint Genetics
Classification: Uncertain significance. Last evaluated: 2023-07-13. Review status: criteria provided, single submitter. Criteria: ACMG Guidelines, 2015. Collection method: clinical testing. Allele origin: germline.

GeneDx
Classification: Uncertain significance. Last evaluated: 2023-05-31. Review status: criteria provided, single submitter. Criteria: GeneDx Variant Classification Process June 2021. Collection method: clinical testing. Allele origin: germline. Affected: yes.
Comment: In silico analysis supports that this missense variant does not alter protein structure/function; Has not been previously published as pathogenic or benign to our knowledge

Labcorp Genetics (formerly Invitae), Labcorp
Classification: Uncertain significance for Biotin-responsive basal ganglia disease. Last evaluated: 2022-10-24. Review status: criteria provided, single submitter. Criteria: Invitae Variant Classification Sherloc (09022015). Collection method: clinical testing. Allele origin: germline.
Comment: This sequence change replaces valine, which is neutral and non-polar, with methionine, which is neutral and non-polar, at codon 481 of the SLC19A3 protein (p.Val481Met). This variant is present in population databases (rs368717276, gnomAD 0.04%). This variant has not been reported in the literature in individuals affected with SLC19A3-related conditions. ClinVar contains an entry for this variant (Variation ID: 856582). Advanced modeling of protein sequence and biophysical properties (such as structural, functional, and spatial information, amino acid conservation, physicochemical variation, residue mobility, and thermodynamic stability) performed at Invitae indicates that this missense variant is not expected to disrupt SLC19A3 protein function. In summary, the available evidence is currently insufficient to determine the role of this variant in disease. Therefore, it has been classified as a Variant of Uncertain Significance.